The following is an entry in ClinVar:

NM_058195.4(CDKN2A):c.111A>T (p.Pro37=)

Gene: CDKN2A (cyclin dependent kinase inhibitor 2A; minus strand). Cytogenetic location: 9p21.3.
Variant type: single nucleotide variant.
Coding change: c.111A>T on transcript NM_058195.4 (MANE Plus Clinical); coding-DNA position 111, A replaced by T.
Protein change: p.Pro37=; no amino-acid change (proline 37 retained).
Molecular consequence: synonymous variant. On other transcripts: intron variant (1).
Genome position (GRCh38, 1-based): chr9:21,994,221, T>A on the plus strand (A>T on the coding strand, the complement: CDKN2A is on the minus strand). VCF-style: chr9-21994221-T-A. GRCh37 (hg19) VCF-style: chr9-21994220-T-A.
Other names: c.-4+600A>T (NM_001363763.2).
Identifiers: ClinVar variation 1148892 (VCV001148892.6), dbSNP rs1039977006, ClinGen allele CA464100311.

ClinVar aggregate classification (germline): Benign/Likely benign. Review status: criteria provided, multiple submitters, no conflicts (2 of 4 stars). 2 submissions from 2 submitters: Benign (1); Likely benign (1). Last evaluated 2025-08-12.

Conditions:
Familial melanoma. Also called: Hereditary melanoma; Hereditary cutaneous melanoma. Identifiers: Orphanet 618, MedGen C1512419, MONDO:0018961.
Melanoma-pancreatic cancer syndrome. Identifiers: Orphanet 404560, MedGen C1838547, MONDO:0011713, OMIM 606719. Disease mechanism: loss of function.

Submissions (2):

Myriad Genetics, Inc.
Classification: Benign for Melanoma-pancreatic cancer syndrome. Last evaluated: 2025-08-12. Review status: criteria provided, single submitter. Criteria: Myriad Autosomal Dominant, Autosomal Recessive and X-Linked Classification Criteria (2023). Collection method: clinical testing. Allele origin: unknown.
Comment: This variant is considered benign. This variant is a silent/synonymous amino acid change and it is not expected to impact splicing.

Labcorp Genetics (formerly Invitae), Labcorp
Classification: Likely benign for Familial melanoma. Last evaluated: 2019-11-16. Review status: criteria provided, single submitter. Criteria: Invitae Variant Classification Sherloc (09022015). Collection method: clinical testing. Allele origin: germline.